The following is an entry in ClinVar:

ClinVar aggregate classification (germline): Uncertain significance (1 of 4 stars; one submission).

Conditions:
Renal hypomagnesemia 4. Also called: HYPOMAGNESEMIA, RENAL, NORMOCALCIURIC. Identifiers: Orphanet 34527, MedGen C2673648, MONDO:0012717, OMIM 611718.

gnomAD v4.1: 5 of 1,613,642 alleles (0.00031%); highest among the groups gnomAD compares: African/African-American, 0.0013%; no homozygotes.

Submission:

Dasa
Classification: Uncertain significance for Renal hypomagnesemia 4. Last evaluated: 2025-05-24. Review status: criteria provided, single submitter. Criteria: DASA Assertion Criteria. Collection method: clinical testing. Allele origin: germline.
Comment: NM_001963.6(EGF):c.100G>T (p.Ala34Ser) is a missense variant that results in the substitution of alanine with serine. This variant is rare in population databases. Computational prediction algorithms are consistent with a benign effect. The currently available literature and clinical evidence are not sufficient to establish a definitive association between this variant and the reported condition. Therefore, this variant is classified as a variant of uncertain significance.

NM_001963.6(EGF):c.100G>T (p.Ala34Ser)

Gene: EGF (epidermal growth factor; plus strand). Cytogenetic location: 4q25.
Variant type: single nucleotide variant.
Coding change: c.100G>T on transcript NM_001963.6 (MANE Select); coding-DNA position 100, G replaced by T.
Protein change: p.Ala34Ser; replaces alanine 34 with serine.
Molecular consequence: missense variant.
Genome position (GRCh38, 1-based): chr4:109,913,435, G>T. VCF-style: chr4-109913435-G-T. GRCh37 (hg19) VCF-style: chr4-110834591-G-T.
Other names: c.100G>T, p.Ala34Ser (NM_001178130.3, NM_001178131.3, NM_001357021.2); short protein forms A34S.
Identifiers: ClinVar variation 4880982 (VCV004880982.2).